The following is an entry in ClinVar:

NM_001197104.2(KMT2A):c.5165A>G (p.Asn1722Ser)

Gene: KMT2A (lysine methyltransferase 2A; plus strand). Cytogenetic location: 11q23.3.
Variant type: single nucleotide variant.
Coding change: c.5165A>G on transcript NM_001197104.2 (MANE Select); coding-DNA position 5165, A replaced by G.
Protein change: p.Asn1722Ser; replaces asparagine 1722 with serine.
Molecular consequence: missense variant.
Genome position (GRCh38, 1-based): chr11:118,493,217, A>G. VCF-style: chr11-118493217-A-G. GRCh37 (hg19) VCF-style: chr11-118363932-A-G.
Other names: c.5255A>G, p.Asn1752Ser (NM_001412597.1); c.5156A>G, p.Asn1719Ser (NM_005933.4); short protein forms N1722S, N1752S, N1719S.
Identifiers: ClinVar variation 4709448 (VCV004709448.1).

ClinVar aggregate classification (germline): Uncertain significance (1 of 4 stars; one submission).

gnomAD v4.1: 5 of 1,614,084 alleles (0.00031%); highest among the groups gnomAD compares: Admixed American, 0.0067%; no homozygotes.

Submission:

Labcorp Genetics (formerly Invitae), Labcorp
Classification: Uncertain significance. Last evaluated: 2026-01-04. Review status: criteria provided, single submitter. Criteria: Invitae Variant Classification Sherloc (09022015). Collection method: clinical testing. Allele origin: germline.
Comment: This sequence change replaces asparagine, which is neutral and polar, with serine, which is neutral and polar, at codon 1722 of the KMT2A protein (p.Asn1722Ser). This variant is not present in population databases (gnomAD no frequency). This variant has not been reported in the literature in individuals affected with KMT2A-related conditions. Invitae Evidence Modeling of protein sequence and biophysical properties (such as structural, functional, and spatial information, amino acid conservation, physicochemical variation, residue mobility, and thermodynamic stability) indicates that this missense variant is not expected to disrupt KMT2A protein function with a negative predictive value of 95%. In summary, the available evidence is currently insufficient to determine the role of this variant in disease. Therefore, it has been classified as a Variant of Uncertain Significance.